The following is an entry in ClinVar:

NM_015650.4(TRAF3IP1):c.785T>C (p.Leu262Pro)

Gene: TRAF3IP1 (TRAF3 interacting protein 1; plus strand). Cytogenetic location: 2q37.3.
Variant type: single nucleotide variant.
Coding change: c.785T>C on transcript NM_015650.4 (MANE Select); coding-DNA position 785, T replaced by C.
Protein change: p.Leu262Pro; replaces leucine 262 with proline.
Molecular consequence: missense variant.
Genome position (GRCh38, 1-based): chr2:238,329,212, T>C. VCF-style: chr2-238329212-T-C. GRCh37 (hg19) VCF-style: chr2-239237853-T-C.
Other names: c.785T>C, p.Leu262Pro (NM_001139490.1); short protein forms L262P.
Identifiers: ClinVar variation 1377399 (VCV001377399.8), dbSNP rs2106364391, ClinGen allele CA351245698.

ClinVar aggregate classification (germline): Uncertain significance (1 of 4 stars; one submission).

Submission:

Labcorp Genetics (formerly Invitae), Labcorp
Classification: Uncertain significance. Last evaluated: 2021-06-22. Review status: criteria provided, single submitter. Criteria: Invitae Variant Classification Sherloc (09022015). Collection method: clinical testing. Allele origin: germline.
Comment: This sequence change replaces leucine with proline at codon 262 of the TRAF3IP1 protein (p.Leu262Pro). The leucine residue is weakly conserved and there is a moderate physicochemical difference between leucine and proline. This variant is not present in population databases (ExAC no frequency). This variant has not been reported in the literature in individuals with TRAF3IP1-related conditions. Algorithms developed to predict the effect of missense changes on protein structure and function are either unavailable or do not agree on the potential impact of this missense change (SIFT: "Tolerated"; PolyPhen-2: "Probably Damaging"; Align-GVGD: "Class C0"). In summary, the available evidence is currently insufficient to determine the role of this variant in disease. Therefore, it has been classified as a Variant of Uncertain Significance.